The following is an entry in ClinVar:

ClinVar aggregate classification (germline): Uncertain significance (1 of 4 stars; one submission).

Conditions:
Lymphatic malformation 9. Identifiers: MedGen C5543365, MONDO:0030270, OMIM 619319.

Submission:

Clinical Genomics Laboratory, Washington University in St. Louis
Classification: Uncertain significance for Lymphatic malformation 9. Last evaluated: 2025-04-20. Review status: criteria provided, single submitter. Criteria: ACMG Guidelines, 2015. Collection method: clinical testing. Allele origin: germline.
Comment: A CELSR1 c.7237T>G (p.Phe2413Val) variant was identified at a heterozygous allelic fraction of 51.4%, a frequency which may be consistent with germline origin. This variant, to our knowledge, has not been reported in the medical literature. It is absent from the general population (gnomAD v.4.1.0), indicating it is not a common variant. Computational predictors are uncertain as to the impact of this variant on CELSR1 function. Due to limited information, and based on ACMG/AMP guidelines for variant interpretation (Richards S et al., PMID: 25741868), the clinical significance of this variant is uncertain at this time.

NM_001378328.1(CELSR1):c.7237T>G (p.Phe2413Val)

Gene: CELSR1 (cadherin EGF LAG seven-pass G-type receptor 1; minus strand). Cytogenetic location: 22q13.31.
Variant type: single nucleotide variant.
Coding change: c.7237T>G on transcript NM_001378328.1 (MANE Select); coding-DNA position 7237, T replaced by G.
Protein change: p.Phe2413Val; replaces phenylalanine 2413 with valine.
Molecular consequence: missense variant.
Genome position (GRCh38, 1-based): chr22:46,380,807, A>C on the plus strand (T>G on the coding strand, the complement: CELSR1 is on the minus strand). VCF-style: chr22-46380807-A-C. GRCh37 (hg19) VCF-style: chr22-46776704-A-C.
Other names: c.7237T>G, p.Phe2413Val (NM_014246.4); short protein forms F2413V.
Identifiers: ClinVar variation 4279753 (VCV004279753.1).